The following is an entry in ClinVar:

ClinVar aggregate classification (germline): Uncertain significance. Review status: criteria provided, multiple submitters, no conflicts (2 of 4 stars). 2 submissions from 2 submitters: Uncertain significance (2). Last evaluated 2022-08-16.

Conditions:
Dystonic disorder. Also called: Dystonia. Identifiers: MedGen C0013421, MONDO:0003441, HP:0001332.

Submissions (2):

Labcorp Genetics (formerly Invitae), Labcorp
Classification: Uncertain significance for Dystonic disorder. Last evaluated: 2022-08-16. Review status: criteria provided, single submitter. Criteria: Invitae Variant Classification Sherloc (09022015). Collection method: clinical testing. Allele origin: germline.
Comment: This sequence change replaces alanine, which is neutral and non-polar, with valine, which is neutral and non-polar, at codon 828 of the ANO3 protein (p.Ala828Val). In summary, the available evidence is currently insufficient to determine the role of this variant in disease. Therefore, it has been classified as a Variant of Uncertain Significance. Advanced modeling of protein sequence and biophysical properties (such as structural, functional, and spatial information, amino acid conservation, physicochemical variation, residue mobility, and thermodynamic stability) performed at Invitae indicates that this missense variant is expected to disrupt ANO3 protein function. ClinVar contains an entry for this variant (Variation ID: 1449707). This variant has not been reported in the literature in individuals affected with ANO3-related conditions. This variant is not present in population databases (gnomAD no frequency).

Blueprint Genetics
Classification: Uncertain significance. Last evaluated: 2021-06-24. Review status: criteria provided, single submitter. Criteria: ACMG Guidelines, 2015. Collection method: clinical testing. Allele origin: germline.

NM_031418.4(ANO3):c.2483C>T (p.Ala828Val)

Gene: ANO3 (anoctamin 3; plus strand). Cytogenetic location: 11p14.2.
Variant type: single nucleotide variant.
Coding change: c.2483C>T on transcript NM_031418.4 (MANE Select); coding-DNA position 2483, C replaced by T.
Protein change: p.Ala828Val; replaces alanine 828 with valine.
Molecular consequence: missense variant.
Genome position (GRCh38, 1-based): chr11:26,647,763, C>T. VCF-style: chr11-26647763-C-T. GRCh37 (hg19) VCF-style: chr11-26669310-C-T.
Other names: c.2666C>T, p.Ala889Val (NM_001313726.2); c.2045C>T, p.Ala682Val (NM_001313727.2); short protein forms A682V, A828V, A889V.
Identifiers: ClinVar variation 1449707 (VCV001449707.7), dbSNP rs748350187, ClinGen allele CA379939334.